The following is an entry in ClinVar:

ClinVar aggregate classification (germline): Uncertain significance (1 of 4 stars; one submission).

gnomAD v4.1: 1 of 1,613,898 alleles (0.000062%); highest among the groups gnomAD compares: Non-Finnish European, 0.000085%; no homozygotes.

Submission:

Labcorp Genetics (formerly Invitae), Labcorp
Classification: Uncertain significance. Last evaluated: 2021-12-02. Review status: criteria provided, single submitter. Criteria: Invitae Variant Classification Sherloc (09022015). Collection method: clinical testing. Allele origin: germline.
Comment: This variant has not been reported in the literature in individuals affected with ARNT2-related conditions. This variant is present in population databases (no rsID available, gnomAD 0.0009%). This sequence change replaces glycine, which is neutral and non-polar, with cysteine, which is neutral and slightly polar, at codon 679 of the ARNT2 protein (p.Gly679Cys). Algorithms developed to predict the effect of missense changes on protein structure and function are either unavailable or do not agree on the potential impact of this missense change (SIFT: "Deleterious"; PolyPhen-2: "Possibly Damaging"; Align-GVGD: "Class C0"). In summary, the available evidence is currently insufficient to determine the role of this variant in disease. Therefore, it has been classified as a Variant of Uncertain Significance.

NM_014862.4(ARNT2):c.2035G>T (p.Gly679Cys)

Gene: ARNT2 (aryl hydrocarbon receptor nuclear translocator 2; plus strand). Cytogenetic location: 15q25.1.
Variant type: single nucleotide variant.
Coding change: c.2035G>T on transcript NM_014862.4 (MANE Select); coding-DNA position 2035, G replaced by T.
Protein change: p.Gly679Cys; replaces glycine 679 with cysteine.
Molecular consequence: missense variant.
Genome position (GRCh38, 1-based): chr15:80,591,684, G>T. VCF-style: chr15-80591684-G-T. GRCh37 (hg19) VCF-style: chr15-80884025-G-T.
Other names: short protein forms G679C.
Identifiers: ClinVar variation 1440982 (VCV001440982.7), dbSNP rs4072568, ClinGen allele CA393625372.